The following is an entry in ClinVar:

ClinVar aggregate classification (germline): Uncertain significance (1 of 4 stars; one submission).

gnomAD v4.1: 11 of 1,614,092 alleles (0.00068%); highest among the groups gnomAD compares: African/African-American, 0.004%; no homozygotes.

Submission:

Labcorp Genetics (formerly Invitae), Labcorp
Classification: Uncertain significance. Last evaluated: 2026-01-06. Review status: criteria provided, single submitter. Criteria: Invitae Variant Classification Sherloc (09022015). Collection method: clinical testing. Allele origin: germline.
Comment: This sequence change replaces isoleucine, which is neutral and non-polar, with valine, which is neutral and non-polar, at codon 767 of the DUOX2 protein (p.Ile767Val). This variant is present in population databases (rs749661423, gnomAD 0.002%). This variant has not been reported in the literature in individuals affected with DUOX2-related conditions. ClinVar contains an entry for this variant (Variation ID: 3717077). Invitae Evidence Modeling of protein sequence and biophysical properties (such as structural, functional, and spatial information, amino acid conservation, physicochemical variation, residue mobility, and thermodynamic stability) indicates that this missense variant is not expected to disrupt DUOX2 protein function with a negative predictive value of 80%. In summary, the available evidence is currently insufficient to determine the role of this variant in disease. Therefore, it has been classified as a Variant of Uncertain Significance.

NM_001363711.2(DUOX2):c.2299A>G (p.Ile767Val)

Gene: DUOX2 (dual oxidase 2; minus strand). Cytogenetic location: 15q21.1.
Variant type: single nucleotide variant.
Coding change: c.2299A>G on transcript NM_001363711.2 (MANE Select); coding-DNA position 2299, A replaced by G.
Protein change: p.Ile767Val; replaces isoleucine 767 with valine.
Molecular consequence: missense variant.
Genome position (GRCh38, 1-based): chr15:45,105,678, T>C on the plus strand (A>G on the coding strand, the complement: DUOX2 is on the minus strand). VCF-style: chr15-45105678-T-C. GRCh37 (hg19) VCF-style: chr15-45397876-T-C.
Other names: c.2299A>G, p.Ile767Val (NM_014080.5); short protein forms I767V.
Identifiers: ClinVar variation 3717077 (VCV003717077.2).